The following is an entry in ClinVar:

ClinVar aggregate classification (germline): Uncertain significance (1 of 4 stars; one submission).

Submission:

Labcorp Genetics (formerly Invitae), Labcorp
Classification: Uncertain significance. Last evaluated: 2022-08-27. Review status: criteria provided, single submitter. Criteria: Invitae Variant Classification Sherloc (09022015). Collection method: clinical testing. Allele origin: germline.
Comment: In summary, the available evidence is currently insufficient to determine the role of this variant in disease. Therefore, it has been classified as a Variant of Uncertain Significance. Advanced modeling of protein sequence and biophysical properties (such as structural, functional, and spatial information, amino acid conservation, physicochemical variation, residue mobility, and thermodynamic stability) performed at Invitae indicates that this missense variant is expected to disrupt NSD1 protein function. This variant has not been reported in the literature in individuals affected with NSD1-related conditions. This variant is not present in population databases (gnomAD no frequency). This sequence change replaces cysteine, which is neutral and slightly polar, with arginine, which is basic and polar, at codon 2133 of the NSD1 protein (p.Cys2133Arg).

NM_022455.5(NSD1):c.6397T>C (p.Cys2133Arg)

Gene: NSD1 (nuclear receptor binding SET domain protein 1; plus strand). Cytogenetic location: 5q35.3.
Variant type: single nucleotide variant.
Coding change: c.6397T>C on transcript NM_022455.5 (MANE Select); coding-DNA position 6397, T replaced by C.
Protein change: p.Cys2133Arg; replaces cysteine 2133 with arginine.
Molecular consequence: missense variant.
Genome position (GRCh38, 1-based): chr5:177,292,092, T>C. VCF-style: chr5-177292092-T-C. GRCh37 (hg19) VCF-style: chr5-176719093-T-C.
Other names: c.5275T>C, p.Cys1759Arg (NM_001409309.1); c.5524T>C, p.Cys1842Arg (NM_172349.5, NM_001365684.2, NM_001409308.1); c.6397T>C, p.Cys2133Arg (NM_001409301.1, NM_001409302.1, NM_001409303.1); c.5977T>C, p.Cys1993Arg (NM_001409304.1); c.5644T>C, p.Cys1882Arg (NM_001409305.1); c.5635T>C, p.Cys1879Arg (NM_001409306.1, NM_001409307.1); short protein forms C1759R, C1842R, C1864R, C1879R, C1882R, C1993R, C2133R.
Identifiers: ClinVar variation 1718084 (VCV001718084.6), dbSNP rs2480822320, ClinGen allele CA362320789.